The following is an entry in ClinVar:

NM_000044.6(AR):c.2297C>A (p.Ala766Asp)

Gene: AR (androgen receptor; plus strand). Cytogenetic location: Xq12.
Variant type: single nucleotide variant.
Coding change: c.2297C>A on transcript NM_000044.6 (MANE Select); coding-DNA position 2297, C replaced by A.
Protein change: p.Ala766Asp; replaces alanine 766 with aspartic acid.
Molecular consequence: missense variant.
Genome position (GRCh38, 1-based): chrX:67,717,601, C>A. VCF-style: chrX-67717601-C-A. GRCh37 (hg19) VCF-style: chrX-66937443-C-A.
Other names: c.701C>A, p.Ala234Asp (NM_001011645.3); short protein forms A766D, A234D.
Identifiers: ClinVar variation 419720 (VCV000419720.2), dbSNP rs1064794065, ClinGen allele CA16621465.

ClinVar aggregate classification (germline): Pathogenic (1 of 4 stars; one submission).

Submission:

GeneDx
Classification: Pathogenic. Last evaluated: 2015-08-12. Review status: criteria provided, single submitter. Criteria: GeneDx Variant Classification (06012015). Collection method: clinical testing. Allele origin: germline. Affected: yes.
Comment: The A766D variant is a non-conservative amino acid substitution at a conserved residue in the ligand-binding domain. In silico analysis predicts this variant is probably damaging to the protein structure/function. Missense variants at the same residue (A766V/S/T) and in nearby residues (Y764C/H, F765L, P767S/A, D768Y/V/E) have been reported in the Human Gene Mutation Database in association with androgen insensitivity syndrome (Stenson et al., 2014). The A766D variant was not observed in approximately 6500 individuals of European and African American ancestry in the NHLBI Exome Sequencing Project, indicating it is not a common benign variant in these populations. Although the A766D variant has not been reported previously to our knowledge, we interpret it as pathogenic.